The following is an entry in ClinVar:

NM_000350.3(ABCA4):c.4352+54A>T

Gene: ABCA4 (ATP binding cassette subfamily A member 4; minus strand). Cytogenetic location: 1p22.1.
Variant type: single nucleotide variant.
Coding change: c.4352+54A>T on transcript NM_000350.3 (MANE Select); 54 bases into the intron after coding-DNA position 4352, A replaced by T.
Molecular consequence: intron variant.
Genome position (GRCh38, 1-based): chr1:94,030,374, T>A on the plus strand (A>T on the coding strand, the complement: ABCA4 is on the minus strand). VCF-style: chr1-94030374-T-A. GRCh37 (hg19) VCF-style: chr1-94495930-T-A.
Other names: c.4130+54A>T (NM_001425324.1).
Identifiers: ClinVar variation 4979476 (VCV004979476.1).

ClinVar aggregate classification (germline): Likely benign (1 of 4 stars; one submission).

Conditions:
ABCA4-related disorder. Also called: ABCA4-related condition; ABCA4-related disorders. Identifiers: MedGen CN239167.

Submission:

PreventionGenetics, part of Exact Sciences
Classification: Likely benign for ABCA4-related condition. Last evaluated: 2025-06-04. Review status: criteria provided, single submitter. Criteria: ACMG Guidelines, 2015. Collection method: clinical testing. Allele origin: germline.
Comment: This variant is classified as likely benign based on ACMG/AMP sequence variant interpretation guidelines (Richards et al. 2015 PMID: 25741868, with internal and published modifications).